The following is an entry in ClinVar:

NM_000441.2(SLC26A4):c.2224del (p.Ile742fs)

Gene: SLC26A4 (solute carrier family 26 member 4; plus strand). Cytogenetic location: 7q22.3.
Variant type: Deletion.
Coding change: c.2224del on transcript NM_000441.2 (MANE Select); coding-DNA position 2224, one base deleted (A; older notation c.2224delA).
Protein change: p.Ile742fs; shifts the reading frame from isoleucine 742.
Molecular consequence: frameshift variant.
Genome position (GRCh38, 1-based): chr7:107,710,188, A deleted. VCF-style (leftmost placement, unchanged base first): chr7-107710187-CA-C. GRCh37 (hg19) VCF-style: chr7-107350632-CA-C.
Other names: c.2224del (NM_000441.1); short protein forms I742fs.
Identifiers: ClinVar variation 228397 (VCV000228397.15), dbSNP rs876657723, ClinGen allele CA10576715.

ClinVar aggregate classification (germline): Pathogenic. Review status: criteria provided, multiple submitters, no conflicts (2 of 4 stars). 3 submissions from 3 submitters: Pathogenic (3). Last evaluated 2021-09-05.

Conditions:
Rare genetic deafness. Identifiers: Orphanet 96210, MedGen C5680250.
Pendred syndrome (PDS). Also called: THYROID DYSHORMONOGENESIS 2B; THYROID HORMONOGENESIS, GENETIC DEFECT IN, 2B; Pendred's syndrome; DEAFNESS WITH GOITER; GOITER-DEAFNESS SYNDROME; HYPOTHYROIDISM, CONGENITAL, DUE TO DYSHORMONOGENESIS, 2B. Identifiers: Orphanet 705, MedGen C0271829, MONDO:0010134, OMIM 274600.

Submissions (3):

Genome-Nilou Lab
Classification: Pathogenic for Pendred syndrome. Last evaluated: 2021-09-05. Review status: criteria provided, single submitter. Criteria: ACMG Guidelines, 2015. Collection method: clinical testing. Allele origin: germline. Affected: no.

Labcorp Genetics (formerly Invitae), Labcorp
Classification: Pathogenic. Last evaluated: 2019-02-18. Review status: criteria provided, single submitter. Criteria: Invitae Variant Classification Sherloc (09022015). Collection method: clinical testing. Allele origin: germline.
Comment: For these reasons, this variant has been classified as Pathogenic. Loss-of-function variants in SLC26A4 are known to be pathogenic (PMID: 16283880, 25394566, 26252218, 26445815). This variant has not been reported in the literature in individuals with SLC26A4-related conditions. ClinVar contains an entry for this variant (Variation ID: 228397). This variant is not present in population databases (ExAC no frequency). This sequence change creates a premature translational stop signal (p.Ile742Phefs*2) in the SLC26A4 gene. It is expected to result in an absent or disrupted protein product.

Laboratory for Molecular Medicine, Mass General Brigham Personalized Medicine
Classification: Pathogenic for Rare genetic deafness. Last evaluated: 2015-08-26. Review status: criteria provided, single submitter. Criteria: LMM Criteria. Collection method: clinical testing. Allele origin: germline. Inheritance: Autosomal recessive inheritance. Observed: 2 variant alleles.
Comment: The p.Ile742fs variant in SLC26A4 has not been previously reported in individual s with hearing loss or Pendred syndrome and it was absent from large population studies. This frameshift variant is predicted to alter the protein?s amino acid sequence beginning at position 742 and lead to a premature termination codon 2 a mino acids downstream, which is predicted to lead to a truncated or absent prote in. In summary, this variant meets our criteria to be classified as pathogenic f or hearing loss in an autosomal recessive manner based on its predicted impact.

Literature cited by the submitters: PubMed 16283880 (cited by Labcorp Genetics (formerly Invitae), Labcorp); PubMed 25394566 (cited by Labcorp Genetics (formerly Invitae), Labcorp); PubMed 26252218 (cited by Labcorp Genetics (formerly Invitae), Labcorp); PubMed 26445815 (cited by Labcorp Genetics (formerly Invitae), Labcorp).